The following is an entry in ClinVar:

ClinVar aggregate classification (germline): Uncertain significance. Review status: criteria provided, multiple submitters, no conflicts (2 of 4 stars). 3 submissions from 3 submitters: Uncertain significance (3). Last evaluated 2026-07-06.

Conditions:
Haddad syndrome (OHD). Also called: Ondine-Hirschsprung disease. Identifiers: Orphanet 99803, MedGen C1859049, MONDO:0020493.
Hereditary cancer-predisposing syndrome. Also called: Tumor predisposition; Hereditary Cancer Syndrome; Hereditary neoplastic syndrome; Neoplastic Syndromes, Hereditary. Identifiers: Orphanet 140162, MedGen C0027672, MeSH D009386, MONDO:0015356.
Neuroblastoma, susceptibility to, 2. Identifiers: Orphanet 635, MedGen C2751682, MONDO:0700041, OMIM 613013.

Submissions (3):

Ambry Genetics
Classification: Uncertain significance for Hereditary cancer-predisposing syndrome. Last evaluated: 2026-07-06. Review status: criteria provided, single submitter. Criteria: Ambry Variant Classification Scheme 2023. Collection method: clinical testing. Allele origin: germline.
Comment: The p.F291Y variant (also known as c.872T>A), located in coding exon 3 of the PHOX2B gene, results from a T to A substitution at nucleotide position 872. The phenylalanine at codon 291 is replaced by tyrosine, an amino acid with highly similar properties. This amino acid position is conserved. In addition, the in silico prediction for this alteration is inconclusive. Based on the available evidence, the clinical significance of this variant remains unclear.

Baylor Genetics
Classification: Uncertain significance for Neuroblastoma, susceptibility to, 2. Last evaluated: 2023-08-21. Review status: criteria provided, single submitter. Criteria: ACMG Guidelines, 2015. Collection method: clinical testing. Allele origin: unknown.

Labcorp Genetics (formerly Invitae), Labcorp
Classification: Uncertain significance for Haddad syndrome. Last evaluated: 2022-05-07. Review status: criteria provided, single submitter. Criteria: Invitae Variant Classification Sherloc (09022015). Collection method: clinical testing. Allele origin: germline.
Comment: This sequence change replaces phenylalanine, which is neutral and non-polar, with tyrosine, which is neutral and polar, at codon 291 of the PHOX2B protein (p.Phe291Tyr). This variant is not present in population databases (gnomAD no frequency). This variant has not been reported in the literature in individuals affected with PHOX2B-related conditions. Algorithms developed to predict the effect of missense changes on protein structure and function are either unavailable or do not agree on the potential impact of this missense change (SIFT: "Deleterious"; PolyPhen-2: "Not Available"; Align-GVGD: "Class C0"). In summary, the available evidence is currently insufficient to determine the role of this variant in disease. Therefore, it has been classified as a Variant of Uncertain Significance.

NM_003924.4(PHOX2B):c.872T>A (p.Phe291Tyr)

Gene: PHOX2B (paired like homeobox 2B; minus strand). Cytogenetic location: 4p13.
Variant type: single nucleotide variant.
Coding change: c.872T>A on transcript NM_003924.4 (MANE Select); coding-DNA position 872, T replaced by A.
Protein change: p.Phe291Tyr; replaces phenylalanine 291 with tyrosine.
Molecular consequence: missense variant.
Genome position (GRCh38, 1-based): chr4:41,745,880, A>T on the plus strand (T>A on the coding strand, the complement: PHOX2B is on the minus strand). VCF-style: chr4-41745880-A-T. GRCh37 (hg19) VCF-style: chr4-41747897-A-T.
Other names: short protein forms F291Y.
Identifiers: ClinVar variation 2134951 (VCV002134951.6), dbSNP rs2552096769, ClinGen allele CA356736914.